The following is an entry in ClinVar:

ClinVar aggregate classification (germline): Uncertain significance (1 of 4 stars; one submission).

Allele frequency attached by ClinVar (database versions not stated): gnomAD exomes below 0.00001.
gnomAD v4.1: 1 of 1,613,380 alleles (0.000062%); no homozygotes.

Submission:

Labcorp Genetics (formerly Invitae), Labcorp
Classification: Uncertain significance. Last evaluated: 2023-10-13. Review status: criteria provided, single submitter. Criteria: Invitae Variant Classification Sherloc (09022015). Collection method: clinical testing. Allele origin: germline.
Comment: This sequence change replaces histidine, which is basic and polar, with glutamine, which is neutral and polar, at codon 1588 of the OBSL1 protein (p.His1588Gln). The frequency data for this variant in the population databases is considered unreliable, as metrics indicate poor data quality at this position in the gnomAD database. This variant has not been reported in the literature in individuals affected with OBSL1-related conditions. ClinVar contains an entry for this variant (Variation ID: 1353425). Algorithms developed to predict the effect of missense changes on protein structure and function output the following: SIFT: "Not Available"; PolyPhen-2: "Benign"; Align-GVGD: "Not Available". The glutamine amino acid residue is found in multiple mammalian species, which suggests that this missense change does not adversely affect protein function. In summary, the available evidence is currently insufficient to determine the role of this variant in disease. Therefore, it has been classified as a Variant of Uncertain Significance.

NM_015311.3(OBSL1):c.4764C>G (p.His1588Gln)

Gene: OBSL1 (obscurin like cytoskeletal adaptor 1; minus strand). Cytogenetic location: 2q35.
Variant type: single nucleotide variant.
Coding change: c.4764C>G on transcript NM_015311.3 (MANE Select); coding-DNA position 4764, C replaced by G.
Protein change: p.His1588Gln; replaces histidine 1588 with glutamine.
Molecular consequence: missense variant.
Genome position (GRCh38, 1-based): chr2:219,554,586, G>C on the plus strand (C>G on the coding strand, the complement: OBSL1 is on the minus strand). VCF-style: chr2-219554586-G-C. GRCh37 (hg19) VCF-style: chr2-220419308-G-C.
Other names: short protein forms H1588Q.
Identifiers: ClinVar variation 1353425 (VCV001353425.5), dbSNP rs1481073895, ClinGen allele CA350723305.
Genomic context (GRCh38, chr2:219,554,586, plus strand): 5'-ACAGCCTGAGTCGGCCAGGCCCAGGCCATTGAGTACCAGTCGGTGACGGTGGCCGTCCGA[G>C]TGGATGTGACACTTGGGTCCTGGATACAGCTGTACTCCACCCCGGGCCCACTCCCCGGTC-3'
Protein context (NP_056126.1, residues 1578-1598): QLYPGPKCHI[His1588Gln]SDGHRHRLVL